The following is an entry in ClinVar:

ClinVar aggregate classification (germline): Uncertain significance (1 of 4 stars; one submission).

Allele frequency attached by ClinVar (database versions not stated): gnomAD exomes below 0.00001; TOPMed below 0.00001.
gnomAD v4.1: 2 of 1,614,044 alleles (0.00012%); highest among the groups gnomAD compares: Admixed American, 0.0033%; no homozygotes.

Submission:

Labcorp Genetics (formerly Invitae), Labcorp
Classification: Uncertain significance. Last evaluated: 2023-12-18. Review status: criteria provided, single submitter. Criteria: Invitae Variant Classification Sherloc (09022015). Collection method: clinical testing. Allele origin: germline.
Comment: This sequence change replaces serine, which is neutral and polar, with phenylalanine, which is neutral and non-polar, at codon 2352 of the VCAN protein (p.Ser2352Phe). This variant is present in population databases (no rsID available, gnomAD 0.003%). This variant has not been reported in the literature in individuals affected with VCAN-related conditions. Algorithms developed to predict the effect of missense changes on protein structure and function output the following: SIFT: "Not Available"; PolyPhen-2: "Benign"; Align-GVGD: "Not Available". The phenylalanine amino acid residue is found in multiple mammalian species, which suggests that this missense change does not adversely affect protein function. In summary, the available evidence is currently insufficient to determine the role of this variant in disease. Therefore, it has been classified as a Variant of Uncertain Significance.

NM_004385.5(VCAN):c.7055C>T (p.Ser2352Phe)

Genes: VCAN (versican; plus strand), VCAN-AS1 (VCAN antisense RNA 1; minus strand). Cytogenetic location: 5q14.3.
Variant type: single nucleotide variant.
Coding change: c.7055C>T on transcript NM_004385.5 (MANE Select); coding-DNA position 7055, C replaced by T.
Protein change: p.Ser2352Phe; replaces serine 2352 with phenylalanine.
Molecular consequence: missense variant. On other transcripts: intron variant (2).
Genome position (GRCh38, 1-based): chr5:83,540,058, C>T. VCF-style: chr5-83540058-C-T. GRCh37 (hg19) VCF-style: chr5-82835877-C-T.
Other names: c.4094C>T, p.Ser1365Phe (NM_001164097.2); c.4004-5479C>T (NM_001164098.2); c.1043-5479C>T (NM_001126336.3); short protein forms S1365F, S2352F.
Identifiers: ClinVar variation 2722755 (VCV002722755.3), dbSNP rs1320409064, ClinGen allele CA360313915.